The following is an entry in ClinVar:

ClinVar aggregate classification (germline): Uncertain significance (1 of 4 stars; one submission).

gnomAD v4.1: 1 of 1,612,432 alleles (0.000062%); highest among the groups gnomAD compares: Non-Finnish European, 0.000085%; no homozygotes.

Submission:

GeneDx
Classification: Uncertain significance. Last evaluated: 2025-04-04. Review status: criteria provided, single submitter. Criteria: GeneDx Variant Classification Process June 2021. Collection method: clinical testing. Allele origin: germline. Affected: yes.
Comment: Not observed at significant frequency in large population cohorts (gnomAD); In silico analysis indicates that this missense variant does not alter protein structure/function; Has not been previously published as pathogenic or benign to our knowledge

NM_004973.4(JARID2):c.2941A>G (p.Ser981Gly)

Gene: JARID2 (jumonji and AT-rich interaction domain containing 2; plus strand). Cytogenetic location: 6p22.3.
Variant type: single nucleotide variant.
Coding change: c.2941A>G on transcript NM_004973.4 (MANE Select); coding-DNA position 2941, A replaced by G.
Protein change: p.Ser981Gly; replaces serine 981 with glycine.
Molecular consequence: missense variant.
Genome position (GRCh38, 1-based): chr6:15,511,390, A>G. VCF-style: chr6-15511390-A-G. GRCh37 (hg19) VCF-style: chr6-15511621-A-G.
Other names: c.2425A>G, p.Ser809Gly (NM_001267040.1); short protein forms S809G, S981G.
Identifiers: ClinVar variation 4278547 (VCV004278547.1).